The following is an entry in ClinVar:

NM_001035.3(RYR2):c.8502T>G (p.Ser2834=)

Gene: RYR2 (ryanodine receptor 2; plus strand). Cytogenetic location: 1q43.
Variant type: single nucleotide variant.
Coding change: c.8502T>G on transcript NM_001035.3 (MANE Select); coding-DNA position 8502, T replaced by G.
Protein change: p.Ser2834=; no amino-acid change (serine 2834 retained).
Molecular consequence: synonymous variant.
Genome position (GRCh38, 1-based): chr1:237,666,577, T>G. VCF-style: chr1-237666577-T-G. GRCh37 (hg19) VCF-style: chr1-237829877-T-G.
Identifiers: ClinVar variation 3073641 (VCV003073641.1), dbSNP rs2547157894, ClinGen allele CA423821152.

ClinVar aggregate classification (germline): Likely benign (1 of 4 stars; one submission).

Conditions:
Catecholaminergic polymorphic ventricular tachycardia (CVPT). Also called: Catecholamine-induced polymorphic ventricular tachycardia. Identifiers: Orphanet 3286, MedGen C5574922, MONDO:0017990.

Submission:

All of Us Research Program, National Institutes of Health
Classification: Likely benign for Catecholaminergic polymorphic ventricular tachycardia. Last evaluated: 2023-10-02. Review status: criteria provided, single submitter. Criteria: ACMG Guidelines, 2015. Collection method: clinical testing. Allele origin: germline. Inheritance: Autosomal dominant inheritance. Observed: 1 variant allele, 1 heterozygote.
Comment: This study involves interpretation of variants in research participants for the purpose of population health screening. Participant phenotype was not available at the time of variant classification. Additional details can be found in publication PMID: 35346344, PMCID: PMC8962531